The following is an entry in ClinVar:

NM_001080449.3(DNA2):c.265G>C (p.Val89Leu)

Gene: DNA2 (DNA replication helicase/nuclease 2; minus strand). Cytogenetic location: 10q21.3.
Variant type: single nucleotide variant.
Coding change: c.265G>C on transcript NM_001080449.3 (MANE Select); coding-DNA position 265, G replaced by C.
Protein change: p.Val89Leu; replaces valine 89 with leucine.
Molecular consequence: missense variant. On other transcripts: non-coding transcript variant (1).
Genome position (GRCh38, 1-based): chr10:68,468,299, C>G on the plus strand (G>C on the coding strand, the complement: DNA2 is on the minus strand). VCF-style: chr10-68468299-C-G. GRCh37 (hg19) VCF-style: chr10-70228056-C-G.
Other names: short protein forms V89L.
Identifiers: ClinVar variation 2066871 (VCV002066871.4), dbSNP rs2052350013, ClinGen allele CA376830439.

ClinVar aggregate classification (germline): Uncertain significance (1 of 4 stars; one submission).

Submission:

Labcorp Genetics (formerly Invitae), Labcorp
Classification: Uncertain significance. Last evaluated: 2021-12-30. Review status: criteria provided, single submitter. Criteria: Invitae Variant Classification Sherloc (09022015). Collection method: clinical testing. Allele origin: germline.
Comment: In summary, the available evidence is currently insufficient to determine the role of this variant in disease. Therefore, it has been classified as a Variant of Uncertain Significance. Algorithms developed to predict the effect of missense changes on protein structure and function output the following: SIFT: "Tolerated"; PolyPhen-2: "Not Available"; Align-GVGD: "Class C0". The leucine amino acid residue is found in multiple mammalian species, which suggests that this missense change does not adversely affect protein function. This variant has not been reported in the literature in individuals affected with DNA2-related conditions. This variant is not present in population databases (gnomAD no frequency). This sequence change replaces valine, which is neutral and non-polar, with leucine, which is neutral and non-polar, at codon 89 of the DNA2 protein (p.Val89Leu).